The following is an entry in ClinVar:

NM_001291303.3(FAT4):c.2632_2633del (p.Met878fs)

Gene: FAT4 (FAT atypical cadherin 4; plus strand). Cytogenetic location: 4q28.1.
Variant type: Deletion.
Coding change: c.2632_2633del on transcript NM_001291303.3 (MANE Select); coding-DNA positions 2632 to 2633, 2 bases deleted (AT; older notation c.2632_2633delAT).
Protein change: p.Met878fs; shifts the reading frame from methionine 878.
Molecular consequence: frameshift variant.
Genome position (GRCh38, 1-based): chr4:125,319,043-125,319,044, AT deleted; deleting any 2 consecutive bases within chr4:125,319,042-125,319,044 gives the same sequence; the c. name uses the placement nearest the transcript's 3' end. VCF-style (leftmost placement, unchanged base first): chr4-125319041-CTA-C. GRCh37 (hg19) VCF-style: chr4-126240196-CTA-C.
Other names: c.2632_2633del, p.Met878fs (NM_001291285.3, NM_024582.6); short protein forms M878fs.
Identifiers: ClinVar variation 2020328 (VCV002020328.4), dbSNP rs2530436946, ClinGen allele CA2580071473.

ClinVar aggregate classification (germline): Pathogenic (1 of 4 stars; one submission).

Submission:

Labcorp Genetics (formerly Invitae), Labcorp
Classification: Pathogenic. Last evaluated: 2022-07-29. Review status: criteria provided, single submitter. Criteria: Invitae Variant Classification Sherloc (09022015). Collection method: clinical testing. Allele origin: germline.
Comment: This sequence change creates a premature translational stop signal (p.Met878Glyfs*2) in the FAT4 gene. It is expected to result in an absent or disrupted protein product. Loss-of-function variants in FAT4 are known to be pathogenic (PMID: 24056717, 24913602). This variant is not present in population databases (gnomAD no frequency). This variant has not been reported in the literature in individuals affected with FAT4-related conditions. For these reasons, this variant has been classified as Pathogenic.

Literature cited by the submitters: PubMed 24056717; PubMed 24913602.